The following is an entry in ClinVar:

NM_004625.4(WNT7A):c.891G>A (p.Thr297=)

Gene: WNT7A (Wnt family member 7A; minus strand). Cytogenetic location: 3p25.1.
Variant type: single nucleotide variant.
Coding change: c.891G>A on transcript NM_004625.4 (MANE Select); coding-DNA position 891, G replaced by A.
Protein change: p.Thr297=; no amino-acid change (threonine 297 retained).
Molecular consequence: synonymous variant.
Genome position (GRCh38, 1-based): chr3:13,819,103, C>T on the plus strand (G>A on the coding strand, the complement: WNT7A is on the minus strand). VCF-style: chr3-13819103-C-T. GRCh37 (hg19) VCF-style: chr3-13860600-C-T.
Identifiers: ClinVar variation 3051335 (VCV003051335.2), dbSNP rs748441283, ClinGen allele CA2266339.

ClinVar aggregate classification (germline): Likely benign (0 of 4 stars; one submission).

Conditions:
WNT7A-related disorder. Also called: WNT7A-related condition.

Allele frequency attached by ClinVar (database versions not stated): TOPMed 0.00002.
gnomAD v4.1: 17 of 1,614,010 alleles (0.0011%); highest among the groups gnomAD compares: East Asian, 0.0022%; no homozygotes.

Submission:

PreventionGenetics, part of Exact Sciences
Classification: Likely benign for WNT7A-related condition. Last evaluated: 2020-01-16. Review status: no assertion criteria provided. Collection method: clinical testing. Allele origin: germline.
Comment: This variant is classified as likely benign based on ACMG/AMP sequence variant interpretation guidelines (Richards et al. 2015 PMID: 25741868, with internal and published modifications).